The following is an entry in ClinVar:

NM_001080488.2(ONECUT3):c.705T>C (p.Ala235=)

Gene: ONECUT3 (one cut homeobox 3; plus strand). Cytogenetic location: 19p13.3.
Variant type: single nucleotide variant.
Coding change: c.705T>C on transcript NM_001080488.2 (MANE Select); coding-DNA position 705, T replaced by C.
Protein change: p.Ala235=; no amino-acid change (alanine 235 retained).
Molecular consequence: synonymous variant.
Genome position (GRCh38, 1-based): chr19:1,754,367, T>C. VCF-style: chr19-1754367-T-C. GRCh37 (hg19) VCF-style: chr19-1754366-T-C.
Identifiers: ClinVar variation 4873853 (VCV004873853.2).

ClinVar aggregate classification (germline): Likely benign (1 of 4 stars; one submission).

gnomAD v4.1: 1 of 1,099,016 alleles (0.000091%); highest among the groups gnomAD compares: Non-Finnish European, 0.00011%; no homozygotes.

Submission:

CeGaT Center for Human Genetics Tuebingen
Classification: Likely benign. Last evaluated: 2026-05-01. Review status: criteria provided, single submitter. Criteria: CeGaT Center For Human Genetics Tuebingen Variant Classification Criteria Version 2. Collection method: clinical testing. Allele origin: germline. Affected: yes. Observed: 1 variant allele.
Comment: ONECUT3: BP4, BP7